The following is an entry in ClinVar:

NM_001953.5(TYMP):c.1187C>T (p.Pro396Leu)

Genes: SCO2 (synthesis of cytochrome C oxidase 2; minus strand), TYMP (thymidine phosphorylase; minus strand), LOC130067862 (ATAC-STARR-seq lymphoblastoid silent region 13986; plus strand). Cytogenetic location: 22q13.33.
Variant type: single nucleotide variant.
Coding change: c.1187C>T on transcript NM_001953.5 (MANE Select); coding-DNA position 1187, C replaced by T.
Protein change: p.Pro396Leu; replaces proline 396 with leucine.
Molecular consequence: missense variant. On other transcripts: 5 prime UTR variant (1), intron variant (1).
Genome position (GRCh38, 1-based): chr22:50,526,114, G>A on the plus strand (C>T on the coding strand, the complement: TYMP is on the minus strand). VCF-style: chr22-50526114-G-A. GRCh37 (hg19) VCF-style: chr22-50964543-G-A.
Other names: c.1187C>T, p.Pro396Leu (NM_001113755.3, NM_001113756.3, NM_001257988.1); c.1202C>T, p.Pro401Leu (NM_001257989.1); c.-127C>T (NM_001169110.1); c.-14+132C>T (NM_001169109.2); short protein forms P396L, P401L.
Identifiers: ClinVar variation 1705718 (VCV001705718.1), dbSNP rs2522507230, ClinGen allele CA412197046.
Genomic context (GRCh38, chr22:50,526,114, plus strand): 5'-CGGAGCGGCTCCCCAGCGCGGCTGCGCCCGGCCCCGAGCTCGTGCAGCACCAGCGCCAGC[G>A]GCAGCGCCCGGACCAGCTCCACGGTGCCTGCGGGGAGAGGGGCTGAGAGGCGCGGGCTCG-3'
Protein context (NP_001944.1, residues 386-406): DGTVELVRAL[Pro396Leu]LALVLHELGA

ClinVar aggregate classification (germline): Uncertain significance (1 of 4 stars; one submission).

Conditions:
Mitochondrial DNA depletion syndrome 1. Also called: Mitochondrial Neurogastrointestinal Encephalopathy Disease; MITOCHONDRIAL NEUROGASTROINTESTINAL ENCEPHALOPATHY SYNDROME, TYMP-RELATED; MNGIE, TYMP-RELATED; Mitochondrial DNA depletion syndrome 1 (MNGIE type); Mitochondrial neurogastrointestinal encephalomyopathy syndrome; POLIP SYNDROME. Identifiers: Orphanet 298, MedGen C4551995, MONDO:0011283, OMIM 603041.

gnomAD v4.1: 2 of 1,488,496 alleles (0.00013%); highest among the groups gnomAD compares: African/African-American, 0.0015%; no homozygotes.

Submission:

3billion
Classification: Uncertain significance for Mitochondrial DNA depletion syndrome 1. Last evaluated: 2022-09-01. Review status: criteria provided, single submitter. Criteria: ACMG Guidelines, 2015. Collection method: clinical testing. Allele origin: germline. Affected: yes. Observed: 1 homozygote.
Comment: The variant is not observed in the gnomAD v2.1.1 dataset. Missense changes are a common disease-causing mechanism. The evidence of pathogenicity is insufficient at this time. Therefore, this variant is classified as uncertain significance according to the recommendation of ACMG/AMP guideline.